The following is an entry in ClinVar:

ClinVar aggregate classification (germline): Uncertain significance (1 of 4 stars; one submission).

gnomAD v4.1: 8 of 1,614,096 alleles (0.0005%); highest among the groups gnomAD compares: South Asian, 0.0011%; no homozygotes.

Submission:

Labcorp Genetics (formerly Invitae), Labcorp
Classification: Uncertain significance. Last evaluated: 2024-12-04. Review status: criteria provided, single submitter. Criteria: Invitae Variant Classification Sherloc (09022015). Collection method: clinical testing. Allele origin: germline.
Comment: This sequence change replaces asparagine, which is neutral and polar, with aspartic acid, which is acidic and polar, at codon 3632 of the TRRAP protein (p.Asn3632Asp). This variant is not present in population databases (gnomAD no frequency). This variant has not been reported in the literature in individuals affected with TRRAP-related conditions. Invitae Evidence Modeling of protein sequence and biophysical properties (such as structural, functional, and spatial information, amino acid conservation, physicochemical variation, residue mobility, and thermodynamic stability) indicates that this missense variant is not expected to disrupt TRRAP protein function with a negative predictive value of 80%. In summary, the available evidence is currently insufficient to determine the role of this variant in disease. Therefore, it has been classified as a Variant of Uncertain Significance.

NM_001375524.1(TRRAP):c.11023A>G (p.Asn3675Asp)

Gene: TRRAP (transformation/transcription domain associated protein; plus strand). Cytogenetic location: 7q22.1.
Variant type: single nucleotide variant.
Coding change: c.11023A>G on transcript NM_001375524.1 (MANE Select); coding-DNA position 11023, A replaced by G.
Protein change: p.Asn3675Asp; replaces asparagine 3675 with aspartic acid.
Molecular consequence: missense variant.
Genome position (GRCh38, 1-based): chr7:99,011,136, A>G. VCF-style: chr7-99011136-A-G. GRCh37 (hg19) VCF-style: chr7-98608759-A-G.
Other names: c.10981A>G, p.Asn3661Asp (NM_001244580.2); c.10894A>G, p.Asn3632Asp (NM_003496.4); short protein forms N3661D, N3632D, N3675D.
Identifiers: ClinVar variation 3670370 (VCV003670370.2).
Genomic context (GRCh38, chr7:99,011,136, plus strand): 5'-GTTCAGAGTAACATGGTGCCGCGCAGCATGCTCAAGGAGTGGGCGCTGCACACCTTCCCC[A>G]ATGCCACGGACTACTGGACGTTCCGGAAGATGTTCACCATCCAGCTGGCTCTGATAGGCT-3'
Protein context (NP_001362453.1, residues 3665-3685): LKEWALHTFP[Asn3675Asp]ATDYWTFRKM